The following is an entry in ClinVar:

ClinVar aggregate classification (germline): Uncertain significance. Review status: criteria provided, multiple submitters, no conflicts (2 of 4 stars). 2 submissions from 2 submitters: Uncertain significance (2). Last evaluated 2023-02-12.

Conditions:
Autosomal recessive limb-girdle muscular dystrophy type 2B (LGMDR2). Also called: MUSCULAR DYSTROPHY, LIMB-GIRDLE, TYPE 3; Limb-Girdle Muscular Dystrophy Type 2B (LGMD2B); MUSCULAR DYSTROPHY, LIMB-GIRDLE, AUTOSOMAL RECESSIVE 2; Limb-girdle muscular dystrophy, type 2B. Identifiers: Orphanet 268, MedGen C1850889, MONDO:0009676, OMIM 253601.
Miyoshi muscular dystrophy 1 (MMD1). Identifiers: Orphanet 45448, MedGen C4551973, MONDO:0024545, OMIM 254130.

Submissions (2):

Kariminejad - Najmabadi Pathology & Genetics Center
Classification: Uncertain significance for Autosomal recessive limb-girdle muscular dystrophy type 2B. Last evaluated: 2023-02-12. Review status: criteria provided, single submitter. Criteria: ACMG Guidelines, 2015. Collection method: clinical testing. Allele origin: germline. Inheritance: Autosomal recessive inheritance. Affected: yes.
Comment: PM2,PP3_Moderate

Pediatric/Medical Genetics, Ministry of Health, Qatif Central Hospital
Classification: Uncertain significance for Miyoshi muscular dystrophy 1; Autosomal recessive limb-girdle muscular dystrophy type 2B. Review status: criteria provided, single submitter. Criteria: ACMG Guidelines, 2015. Collection method: clinical testing. Allele origin: germline. Inheritance: Autosomal recessive inheritance. Affected: yes.

NM_001130987.2(DYSF):c.3756+6T>A

Gene: DYSF (dysferlin; plus strand). Cytogenetic location: 2p13.2.
Variant type: single nucleotide variant.
Coding change: c.3756+6T>A on transcript NM_001130987.2 (MANE Select); 6 bases into the intron after coding-DNA position 3756, T replaced by A.
Molecular consequence: intron variant.
Genome position (GRCh38, 1-based): chr2:71,598,751, T>A. VCF-style: chr2-71598751-T-A. GRCh37 (hg19) VCF-style: chr2-71825881-T-A.
Other names: c.3702+6t>a (NM_003494.4); c.3795+6T>A (NM_001130979.2); c.3753+6T>A (NM_001130981.2, NM_001130980.2); c.3702+6T>A (NM_001130978.2, NM_003494.4); c.3660+6T>A (NM_001130977.2, NM_001130976.2); c.3798+6T>A (NM_001130982.2); c.3756+6T>A (NM_001130985.2); c.3705+6T>A (NM_001130983.2, NM_001130455.2); and 1 more.
Identifiers: ClinVar variation 3250366 (VCV003250366.3), dbSNP rs1417854734.